The following is an entry in ClinVar:

ClinVar aggregate classification (germline): Uncertain significance (1 of 4 stars; one submission).

Conditions:
Cardiovascular phenotype. Identifiers: MedGen CN230736.

Submission:

Ambry Genetics
Classification: Uncertain significance for Cardiovascular phenotype. Last evaluated: 2026-03-28. Review status: criteria provided, single submitter. Criteria: Ambry Variant Classification Scheme 2023. Collection method: clinical testing. Allele origin: germline.
Comment: The p.I167T variant (also known as c.500T>C), located in coding exon 4 of the LPL gene, results from a T to C substitution at nucleotide position 500. The isoleucine at codon 167 is replaced by threonine, an amino acid with similar properties. This amino acid position is conserved. In addition, the in silico prediction for this alteration is inconclusive. Based on the available evidence, the clinical significance of this variant remains unclear.

NM_000237.3(LPL):c.500T>C (p.Ile167Thr)

Gene: LPL (lipoprotein lipase; plus strand). Cytogenetic location: 8p21.3.
Variant type: single nucleotide variant.
Coding change: c.500T>C on transcript NM_000237.3 (MANE Select); coding-DNA position 500, T replaced by C.
Protein change: p.Ile167Thr; replaces isoleucine 167 with threonine.
Molecular consequence: missense variant.
Genome position (GRCh38, 1-based): chr8:19,953,380, T>C. VCF-style: chr8-19953380-T-C. GRCh37 (hg19) VCF-style: chr8-19810891-T-C.
Other names: short protein forms I167T.
Identifiers: ClinVar variation 4859252 (VCV004859252.1).